The following is an entry in ClinVar:

NM_006172.4(NPPA):c.206A>C (p.Glu69Ala)

Genes: NPPA (natriuretic peptide A; minus strand), NPPA-AS1 (NPPA antisense RNA 1; plus strand), LOC114827827 (VISTA enhancer hs2123; plus strand). Cytogenetic location: 1p36.22.
Variant type: single nucleotide variant.
Coding change: c.206A>C on transcript NM_006172.4 (MANE Select); coding-DNA position 206, A replaced by C.
Protein change: p.Glu69Ala; replaces glutamic acid 69 with alanine.
Molecular consequence: missense variant.
Genome position (GRCh38, 1-based): chr1:11,847,357, T>G on the plus strand (A>C on the coding strand, the complement: NPPA is on the minus strand). VCF-style: chr1-11847357-T-G. GRCh37 (hg19) VCF-style: chr1-11907414-T-G.
Other names: c.206A>C (LRG_751t1); short protein forms E69A.
Identifiers: ClinVar variation 432823 (VCV000432823.8), dbSNP rs376184349, ClinGen allele CA597060.

ClinVar aggregate classification (germline): Uncertain significance. Review status: criteria provided, multiple submitters, no conflicts (2 of 4 stars). 2 submissions from 2 submitters: Uncertain significance (2). Last evaluated 2025-12-03.

Conditions:
Atrial fibrillation, familial, 6 (ATFB6). Identifiers: MedGen C2677294, MONDO:0012816, OMIM 612201.

Allele frequency attached by ClinVar (database versions not stated): gnomAD 0.00001; gnomAD exomes 0.00001; ExAC 0.00002; TOPMed 0.00003; ESP Exome Variant Server 0.00008.
gnomAD v4.1: 21 of 1,613,720 alleles (0.0013%); highest among the groups gnomAD compares: Middle Eastern, 0.016%; no homozygotes.

Submissions (2):

Labcorp Genetics (formerly Invitae), Labcorp
Classification: Uncertain significance for Atrial fibrillation, familial, 6. Last evaluated: 2025-12-03. Review status: criteria provided, single submitter. Criteria: Invitae Variant Classification Sherloc (09022015). Collection method: clinical testing. Allele origin: germline.
Comment: This sequence change replaces glutamic acid, which is acidic and polar, with alanine, which is neutral and non-polar, at codon 69 of the NPPA protein (p.Glu69Ala). This variant is present in population databases (rs376184349, gnomAD 0.004%). This variant has not been reported in the literature in individuals affected with NPPA-related conditions. ClinVar contains an entry for this variant (Variation ID: 432823). An algorithm developed to predict the effect of missense changes on protein structure and function (PolyPhen-2) suggests that this variant is likely to be tolerated. In summary, the available evidence is currently insufficient to determine the role of this variant in disease. Therefore, it has been classified as a Variant of Uncertain Significance.

GeneDx
Classification: Uncertain significance. Last evaluated: 2017-06-20. Review status: criteria provided, single submitter. Criteria: GeneDx Variant Classification (06012015). Collection method: clinical testing. Allele origin: germline. Affected: yes.
Comment: The E69A variant in the NPPA gene has not been reported previously as a pathogenic variant, nor as a benign variant, to our knowledge. The E69A variant is not observed at a significant frequency in large population cohorts (Lek et al., 2016; 1000 Genomes Consortium et al., 2015; Exome Variant Server). The E69A variant is a non-conservative amino acid substitution, which is likely to impact secondary protein structure as these residues differ in polarity, charge, size and/or other properties. In addition, this substitution occurs at a position where amino acids with similar properties to Glutamic acid are tolerated across species. However, in silico analysis is inconsistent in its predictions as to whether or not the variant is damaging to the protein structure/function. We interpret E69A as a variant of uncertain significance.